The following is an entry in ClinVar:

NM_001277115.2(DNAH11):c.8141C>G (p.Ser2714Ter)

Gene: DNAH11 (dynein axonemal heavy chain 11; plus strand). Cytogenetic location: 7p15.3.
Variant type: single nucleotide variant.
Coding change: c.8141C>G on transcript NM_001277115.2 (MANE Select); coding-DNA position 8141, C replaced by G.
Protein change: p.Ser2714Ter; replaces serine 2714 with a stop codon.
Molecular consequence: nonsense.
Genome position (GRCh38, 1-based): chr7:21,742,153, C>G. VCF-style: chr7-21742153-C-G. GRCh37 (hg19) VCF-style: chr7-21781771-C-G.
Other names: short protein forms S2714*.
Identifiers: ClinVar variation 653305 (VCV000653305.8), dbSNP rs1237605731, ClinGen allele CA366952288.

ClinVar aggregate classification (germline): Pathogenic/Likely pathogenic. Review status: criteria provided, multiple submitters, no conflicts (2 of 4 stars). 2 submissions from 2 submitters: Pathogenic (1); Likely pathogenic (1). Last evaluated 2018-08-07.

Conditions:
Primary ciliary dyskinesia 7. Also called: CILIARY DYSKINESIA, PRIMARY, 7, WITH OR WITHOUT SITUS INVERSUS. Identifiers: Orphanet 244, MedGen C2678473, MONDO:0012748, OMIM 611884.
Primary ciliary dyskinesia. Also called: Ciliary dyskinesia. Identifiers: Orphanet 244, MedGen C0008780, MONDO:0016575, HP:0012265.

Submissions (2):

Labcorp Genetics (formerly Invitae), Labcorp
Classification: Pathogenic for Primary ciliary dyskinesia. Last evaluated: 2018-08-07. Review status: criteria provided, single submitter. Criteria: Invitae Variant Classification Sherloc (09022015). Collection method: clinical testing. Allele origin: germline.
Comment: This sequence change creates a premature translational stop signal (p.Ser2714*) in the DNAH11 gene. It is expected to result in an absent or disrupted protein product. This variant is not present in population databases (ExAC no frequency). This variant has not been reported in the literature in individuals with DNAH11-related disease. Loss-of-function variants in DNAH11 are known to be pathogenic (PMID: 18022865, 20513915, 22184204). For these reasons, this variant has been classified as Pathogenic.

Juno Genomics, Hangzhou Juno Genomics, Inc
Classification: Likely pathogenic for Primary ciliary dyskinesia 7. Review status: criteria provided, single submitter. Criteria: ACMG Guidelines, 2015. Collection method: clinical testing. Allele origin: germline. Affected: yes.
Comment: Absent from controls (or at extremely low frequency if recessive) in Genome Aggregation Database.;Null variant in a gene where loss of function (LOF) is a known mechanism of disease.

Literature cited by the submitters: PubMed 18022865 (cited by Labcorp Genetics (formerly Invitae), Labcorp); PubMed 20513915 (cited by Labcorp Genetics (formerly Invitae), Labcorp); PubMed 22184204 (cited by Labcorp Genetics (formerly Invitae), Labcorp).